The following is an entry in ClinVar:

NM_001164508.2(NEB):c.7913_7914delinsAT (p.Ser2638Asn)

Gene: NEB (nebulin; minus strand). Cytogenetic location: 2q23.3.
Variant type: Indel.
Coding change: c.7913_7914delinsAT on transcript NM_001164508.2 (MANE Select); coding-DNA positions 7913 to 7914, GC replaced by AT.
Protein change: p.Ser2638Asn; replaces serine 2638 with asparagine.
Molecular consequence: missense variant.
Genome position (GRCh38, 1-based): chr2:151,643,860-151,643,861, GC replaced by AT on the plus strand (GC replaced by AT on the coding strand, the reverse complement: NEB is on the minus strand). VCF-style: chr2-151643860-GC-AT. GRCh37 (hg19) VCF-style: chr2-152500374-GC-AT.
Other names: c.7913_7914delinsAT, p.Ser2638Asn (NM_001164507.2, NM_001271208.2, NM_004543.5); short protein forms S2638N.
Identifiers: ClinVar variation 647454 (VCV000647454.6), dbSNP rs1574937918, ClinGen allele CA915942855.

ClinVar aggregate classification (germline): Uncertain significance (1 of 4 stars; one submission).

Conditions:
Nemaline myopathy 2 (NEM2). Also called: Nemaline myopathy 2, autosomal recessive. Identifiers: MedGen C1850569, MONDO:0009725, OMIM 256030.

Submission:

Labcorp Genetics (formerly Invitae), Labcorp
Classification: Uncertain significance for Nemaline myopathy 2. Last evaluated: 2022-06-04. Review status: criteria provided, single submitter. Criteria: Invitae Variant Classification Sherloc (09022015). Collection method: clinical testing. Allele origin: germline.
Comment: This sequence change replaces serine, which is neutral and polar, with asparagine, which is neutral and polar, at codon 2638 of the NEB protein (p.Ser2638Asn). The frequency data for this variant in the population databases is considered unreliable, as metrics indicate poor data quality at this position in the gnomAD database. This variant has not been reported in the literature in individuals affected with NEB-related conditions. ClinVar contains an entry for this variant (Variation ID: 647454). Experimental studies and prediction algorithms are not available or were not evaluated, and the functional significance of this variant is currently unknown. In summary, the available evidence is currently insufficient to determine the role of this variant in disease. Therefore, it has been classified as a Variant of Uncertain Significance.